The following is an entry in ClinVar:

ClinVar aggregate classification (germline): Uncertain significance (1 of 4 stars; one submission).

Allele frequency attached by ClinVar (database versions not stated): gnomAD 0.00003 and 0.00004; gnomAD exomes 0.00004; ExAC 0.00005.
gnomAD v4.1: 21 of 1,600,390 alleles (0.0013%); highest among the groups gnomAD compares: East Asian, 0.025%; no homozygotes.

Submission:

Labcorp Genetics (formerly Invitae), Labcorp
Classification: Uncertain significance. Last evaluated: 2021-10-13. Review status: criteria provided, single submitter. Criteria: Invitae Variant Classification Sherloc (09022015). Collection method: clinical testing. Allele origin: germline.
Comment: This sequence change falls in intron 6 of the MRPL3 gene. It does not directly change the encoded amino acid sequence of the MRPL3 protein. This variant is present in population databases (rs781742364, ExAC 0.05%). This variant has not been reported in the literature in individuals affected with MRPL3-related conditions. Algorithms developed to predict the effect of sequence changes on RNA splicing suggest that this variant may create or strengthen a splice site. In summary, the available evidence is currently insufficient to determine the role of this variant in disease. Therefore, it has been classified as a Variant of Uncertain Significance.

NM_007208.4(MRPL3):c.629+15C>T

Gene: MRPL3 (mitochondrial ribosomal protein L3; minus strand). Cytogenetic location: 3q22.1.
Variant type: single nucleotide variant.
Coding change: c.629+15C>T on transcript NM_007208.4 (MANE Select); 15 bases into the intron after coding-DNA position 629, C replaced by T.
Molecular consequence: intron variant.
Genome position (GRCh38, 1-based): chr3:131,487,665, G>A on the plus strand (C>T on the coding strand, the complement: MRPL3 is on the minus strand). VCF-style: chr3-131487665-G-A. GRCh37 (hg19) VCF-style: chr3-131206509-G-A.
Identifiers: ClinVar variation 1384239 (VCV001384239.6), dbSNP rs781742364, ClinGen allele CA2617040.